The following is an entry in ClinVar:

ClinVar aggregate classification (germline): Likely benign (1 of 4 stars; one submission).

Allele frequency attached by ClinVar (database versions not stated): 1000 Genomes Project 0.00100; 1000 Genomes Project 30x 0.00109; ESP Exome Variant Server 0.00161; gnomAD 0.00200; TOPMed 0.00255; gnomAD exomes 0.00272; ExAC 0.00283.
gnomAD v4.1: 4,364 of 1,613,370 alleles (0.27%); highest among the groups gnomAD compares: Middle Eastern, 2.2%; 12 homozygotes.

Submission:

CeGaT Center for Human Genetics Tuebingen
Classification: Likely benign. Last evaluated: 2026-03-01. Review status: criteria provided, single submitter. Criteria: CeGaT Center For Human Genetics Tuebingen Variant Classification Criteria Version 2. Collection method: clinical testing. Allele origin: germline. Affected: yes. Observed: 3 variant alleles.
Comment: U2AF2: BP4, BP7

NM_007279.3(U2AF2):c.1227C>T (p.Tyr409=)

Gene: U2AF2 (U2 small nuclear RNA auxiliary factor 2; plus strand). Cytogenetic location: 19q13.42.
Variant type: single nucleotide variant.
Coding change: c.1227C>T on transcript NM_007279.3 (MANE Select); coding-DNA position 1227, C replaced by T.
Protein change: p.Tyr409=; no amino-acid change (tyrosine 409 retained).
Molecular consequence: synonymous variant.
Genome position (GRCh38, 1-based): chr19:55,669,626, C>T. VCF-style: chr19-55669626-C-T. GRCh37 (hg19) VCF-style: chr19-56180992-C-T.
Other names: c.1215C>T, p.Tyr405= (NM_001012478.2).
Identifiers: ClinVar variation 2650536 (VCV002650536.24), dbSNP rs149002438, ClinGen allele CA9679389.